The following is an entry in ClinVar:

NM_000693.4(ALDH1A3):c.537+5G>A

Genes: ALDH1A3 (aldehyde dehydrogenase 1 family member A3; plus strand), ALDH1A3-AS1 (ALDH1A3 antisense RNA 1; minus strand). Cytogenetic location: 15q26.3.
Variant type: single nucleotide variant.
Coding change: c.537+5G>A on transcript NM_000693.4 (MANE Select); 5 bases into the intron after coding-DNA position 537, G replaced by A.
Molecular consequence: intron variant. On other transcripts: non-coding transcript variant (1).
Genome position (GRCh38, 1-based): chr15:100,893,011, G>A. VCF-style: chr15-100893011-G-A. GRCh37 (hg19) VCF-style: chr15-101433216-G-A.
Other names: c.346-2922G>A (NM_001293815.2).
Identifiers: ClinVar variation 449288 (VCV000449288.2), dbSNP rs200440536, ClinGen allele CA7760110.
Genomic context (GRCh38, chr15:100,893,011, plus strand): 5'-ACGTCGTGTGCTTCACCAGGCATGAGCCCATTGGTGTCTGTGGGGCCATCACTCCAGTAA[G>A]TATGGCAGCCTTTCTCAGTAGATTCTATGTAGATCCTGCCCCACTGCCCTGTGTCCTTTG-3'

ClinVar aggregate classification (germline): Pathogenic (1 of 4 stars; one submission).

Allele frequency attached by ClinVar (database versions not stated): gnomAD exomes below 0.00001; ExAC 0.00001; gnomAD 0.00001; 1000 Genomes Project 30x 0.00016; 1000 Genomes Project 0.00020.
gnomAD v4.1: 1 of 1,613,146 alleles (0.000062%); highest among the groups gnomAD compares: East Asian, 0.0022%; no homozygotes.

Submission:

GeneDx
Classification: Pathogenic. Last evaluated: 2015-11-04. Review status: criteria provided, single submitter. Criteria: GeneDx Variant Classification (06012015). Collection method: clinical testing. Allele origin: germline. Affected: yes.
Comment: The c.537+5G>A splice site variant in the ALDH1A3 gene has not been reported previously as a pathogenic nor as a benign variant, to our knowledge. This variant is predicted to destroy the splice donor site in intron 5, resulting in abnormal gene splicing, either leading to an abnormal message that is subject to nonsense-mediated mRNA decay, or to an abnormal protein product if the message is used for protein translation. The c.537+5G>A variant was not observed in approximately 6500 individuals of European and African American ancestry in the NHLBI Exome Sequencing Project, indicating it is not a common benign variant in these populations. We interpret c.537+5G>A as a pathogenic variant